The following is an entry in ClinVar:

ClinVar aggregate classification (germline): Conflicting classifications of pathogenicity. Review status: criteria provided, conflicting classifications (1 of 4 stars). 3 submissions from 3 submitters: Uncertain significance (2); Likely benign (1). Last evaluated 2025-07-01.

Conditions:
Laron-type isolated somatotropin defect. Also called: Laron Syndrome; Growth hormone binding protein deficiency or dysfunction; Growth hormone receptor deficiency or dysfunction; Laron dwarfism; Laron type pituitary dwarfism I; GROWTH HORMONE RECEPTOR DEFICIENCY. Identifiers: Orphanet 633, MedGen C0271568, MONDO:0009877, OMIM 262500.

Allele frequency attached by ClinVar (database versions not stated): 1000 Genomes Project 30x 0.00016; ExAC 0.00018; gnomAD 0.00018; gnomAD exomes 0.00019 and 0.00032; TOPMed 0.00019; 1000 Genomes Project 0.00020; ESP Exome Variant Server 0.00031.

Submissions (3):

Labcorp Genetics (formerly Invitae), Labcorp
Classification: Likely benign. Last evaluated: 2025-07-01. Review status: criteria provided, single submitter. Criteria: Invitae Variant Classification Sherloc (09022015). Collection method: clinical testing. Allele origin: germline.

GeneDx
Classification: Uncertain significance. Last evaluated: 2019-05-02. Review status: criteria provided, single submitter. Criteria: GeneDx Variant Classification Process June 2021. Collection method: clinical testing. Allele origin: germline. Affected: yes.
Comment: In silico analysis, which includes protein predictors and evolutionary conservation, supports that this variant does not alter protein structure/function; Has not been previously published as pathogenic or benign to our knowledge

Illumina Laboratory Services, Illumina
Classification: Uncertain significance for Laron-type isolated somatotropin defect. Last evaluated: 2018-01-12. Review status: criteria provided, single submitter. Criteria: ICSL Variant Classification Criteria 13 December 2019. Collection method: clinical testing. Allele origin: germline.

NM_000163.5(GHR):c.814A>G (p.Ile272Val)

Gene: GHR (growth hormone receptor; plus strand). Cytogenetic location: 5p12.
Variant type: single nucleotide variant.
Coding change: c.814A>G on transcript NM_000163.5 (MANE Select); coding-DNA position 814, A replaced by G.
Protein change: p.Ile272Val; replaces isoleucine 272 with valine.
Molecular consequence: missense variant.
Genome position (GRCh38, 1-based): chr5:42,713,458, A>G. VCF-style: chr5-42713458-A-G. GRCh37 (hg19) VCF-style: chr5-42713560-A-G.
Other names: c.835A>G, p.Ile279Val (NM_001242399.2); c.814A>G, p.Ile272Val (NM_001242400.2, NM_001242401.4, NM_001242402.2 and 5 more transcripts); c.748A>G, p.Ile250Val (NM_001242460.2); short protein forms I250V, I279V, I272V.
Identifiers: ClinVar variation 907710 (VCV000907710.11), dbSNP rs35040971, ClinGen allele CA3254508.